The following is an entry in ClinVar:

ClinVar aggregate classification (germline): Pathogenic (1 of 4 stars; one submission).

Conditions:
Primary ciliary dyskinesia. Also called: Ciliary dyskinesia. Identifiers: Orphanet 244, MedGen C0008780, MONDO:0016575, HP:0012265.

Submission:

Labcorp Genetics (formerly Invitae), Labcorp
Classification: Pathogenic for Primary ciliary dyskinesia. Last evaluated: 2023-09-29. Review status: criteria provided, single submitter. Criteria: Invitae Variant Classification Sherloc (09022015). Collection method: clinical testing. Allele origin: germline.
Comment: For these reasons, this variant has been classified as Pathogenic. This variant has not been reported in the literature in individuals affected with DNAH5-related conditions. This variant is not present in population databases (gnomAD no frequency). This sequence change creates a premature translational stop signal (p.Phe1719Leufs*29) in the DNAH5 gene. It is expected to result in an absent or disrupted protein product. Loss-of-function variants in DNAH5 are known to be pathogenic (PMID: 11788826, 16627867).

Literature cited by the submitters: PubMed 11788826; PubMed 16627867.

NM_001369.3(DNAH5):c.5154dup (p.Phe1719fs)

Gene: DNAH5 (dynein axonemal heavy chain 5; minus strand). Cytogenetic location: 5p15.2.
Variant type: Duplication.
Coding change: c.5154dup on transcript NM_001369.3 (MANE Select); coding-DNA position 5154, one base duplicated (C; older notation c.5154dupC).
Protein change: p.Phe1719fs; shifts the reading frame from phenylalanine 1719.
Molecular consequence: frameshift variant.
Genome position (GRCh38, 1-based): chr5:13,844,954, G duplicated on the plus strand (C on the coding strand, the reverse complement: DNAH5 is on the minus strand). VCF-style (leftmost placement, unchanged base first): chr5-13844953-A-AG. GRCh37 (hg19) VCF-style: chr5-13845062-A-AG.
Other names: short protein forms F1719fs.
Identifiers: ClinVar variation 2764208 (VCV002764208.3), dbSNP rs2546923148, ClinGen allele CA2697547065.